The following is an entry in ClinVar:

ClinVar aggregate classification (germline): Uncertain significance. Review status: criteria provided, single submitter (1 of 4 stars). 2 submissions from 2 submitters: Uncertain significance (1). 1 of the submissions does not count toward it. Last evaluated 2022-08-20.

Conditions:
TRIM32-related disorder. Also called: TRIM32-related condition.
Bardet-Biedl syndrome (BBS). Identifiers: Orphanet 110, MedGen C0752166, MONDO:0015229.

Allele frequency attached by ClinVar (database versions not stated): ExAC 0.00001.
gnomAD v4.1: 3 of 1,614,180 alleles (0.00019%); highest among the groups gnomAD compares: Admixed American, 0.005%; no homozygotes.

Submissions (2):

Labcorp Genetics (formerly Invitae), Labcorp
Classification: Uncertain significance for Bardet-Biedl syndrome. Last evaluated: 2022-08-20. Review status: criteria provided, single submitter. Criteria: Invitae Variant Classification Sherloc (09022015). Collection method: clinical testing. Allele origin: germline.
Comment: This sequence change replaces serine, which is neutral and polar, with phenylalanine, which is neutral and non-polar, at codon 314 of the TRIM32 protein (p.Ser314Phe). This variant is present in population databases (rs781563722, gnomAD 0.009%). This variant has not been reported in the literature in individuals affected with TRIM32-related conditions. Algorithms developed to predict the effect of missense changes on protein structure and function (SIFT, PolyPhen-2, Align-GVGD) all suggest that this variant is likely to be tolerated. In summary, the available evidence is currently insufficient to determine the role of this variant in disease. Therefore, it has been classified as a Variant of Uncertain Significance.

PreventionGenetics, part of Exact Sciences
Classification: Uncertain significance for TRIM32-related condition. Last evaluated: 2024-05-02. Review status: no assertion criteria provided. Collection method: clinical testing. Allele origin: germline. Not counted in ClinVar's aggregate classification.
Comment: The TRIM32 c.941C>T variant is predicted to result in the amino acid substitution p.Ser314Phe. To our knowledge, this variant has not been reported in the literature. This variant is reported in 0.0087% of alleles in individuals of Latino descent in gnomAD. At this time, the clinical significance of this variant is uncertain due to the absence of conclusive functional and genetic evidence.

NM_012210.4(TRIM32):c.941C>T (p.Ser314Phe)

Genes: ASTN2 (astrotactin 2; minus strand), TRIM32 (tripartite motif containing 32; plus strand). Cytogenetic location: 9q33.1.
Variant type: single nucleotide variant.
Coding change: c.941C>T on transcript NM_012210.4 (MANE Select); coding-DNA position 941, C replaced by T.
Protein change: p.Ser314Phe; replaces serine 314 with phenylalanine.
Molecular consequence: missense variant. On other transcripts: intron variant (3).
Genome position (GRCh38, 1-based): chr9:116,698,683, C>T. VCF-style: chr9-116698683-C-T. GRCh37 (hg19) VCF-style: chr9-119460962-C-T.
Other names: c.941C>T, p.Ser314Phe (NM_001099679.2, NM_001379048.1, NM_001379049.1 and 1 more transcripts); c.2653+27088G>A (NM_014010.5); c.2794+27088G>A (NM_001365069.1); c.2806+27088G>A (NM_001365068.1); short protein forms S314F.
Identifiers: ClinVar variation 2086287 (VCV002086287.2), dbSNP rs781563722, ClinGen allele CA5211074.
Genomic context (GRCh38, chr9:116,698,683, plus strand): 5'-CTGTTAAGAAGCCCCGGACAGTTAACGTGGAAGATTCCTGGGCCATGGAGGCCACAGCGT[C>T]TGCTGCCTCTACCTCTGTTACTTTTAGAGAGATGGACATGAGCCCGGAGGAAGTGGTTGC-3'
Protein context (NP_036342.2, residues 304-324): EDSWAMEATA[Ser314Phe]AASTSVTFRE